The following is an entry in ClinVar:

ClinVar aggregate classification (germline): Uncertain significance (1 of 4 stars; one submission).

Conditions:
EFR3A-related disorder. Also called: EFR3A-related condition.

Allele frequency attached by ClinVar (database versions not stated): TOPMed below 0.00001; gnomAD 0.00001; gnomAD exomes 0.00001.
gnomAD v4.1: 11 of 1,613,308 alleles (0.00068%); highest among the groups gnomAD compares: Non-Finnish European, 0.00093%; no homozygotes.

Submission:

PreventionGenetics, part of Exact Sciences
Classification: Uncertain significance for EFR3A-related condition. Last evaluated: 2022-11-11. Review status: criteria provided, single submitter. Criteria: ACMG Guidelines, 2015. Collection method: clinical testing. Allele origin: germline.
Comment: The EFR3A c.2174A>G variant is predicted to result in the amino acid substitution p.Glu725Gly. To our knowledge, this variant has not been reported in the literature or in a large population database, indicating this variant is rare. At this time, the clinical significance of this variant is uncertain due to the absence of conclusive functional and genetic evidence.

NM_015137.6(EFR3A):c.2174A>G (p.Glu725Gly)

Gene: EFR3A (EFR3 homolog A; plus strand). Cytogenetic location: 8q24.22.
Variant type: single nucleotide variant.
Coding change: c.2174A>G on transcript NM_015137.6 (MANE Select); coding-DNA position 2174, A replaced by G.
Protein change: p.Glu725Gly; replaces glutamic acid 725 with glycine.
Molecular consequence: missense variant. On other transcripts: non-coding transcript variant (2).
Genome position (GRCh38, 1-based): chr8:132,001,775, A>G. VCF-style: chr8-132001775-A-G. GRCh37 (hg19) VCF-style: chr8-133014022-A-G.
Other names: c.2066A>G, p.Glu689Gly (NM_001323553.2, NM_001323554.2, NM_001323555.2 and 2 more transcripts); c.2225A>G, p.Glu742Gly (NM_001323558.2); short protein forms E689G, E725G, E742G.
Identifiers: ClinVar variation 2635198 (VCV002635198.1), dbSNP rs1821792147, ClinGen allele CA372211615.